The following is an entry in ClinVar:

NM_001267550.2(TTN):c.105980A>G (p.Lys35327Arg)

Genes: TTN-AS1 (TTN antisense RNA 1; plus strand), TTN (titin; minus strand). Cytogenetic location: 2q31.2.
Variant type: single nucleotide variant.
Coding change: c.105980A>G on transcript NM_001267550.2 (MANE Select); coding-DNA position 105980, A replaced by G.
Protein change: p.Lys35327Arg; replaces lysine 35327 with arginine.
Molecular consequence: missense variant.
Genome position (GRCh38, 1-based): chr2:178,530,635, T>C on the plus strand (A>G on the coding strand, the complement: TTN is on the minus strand). VCF-style: chr2-178530635-T-C. GRCh37 (hg19) VCF-style: chr2-179395362-T-C.
Other names: c.101057A>G, p.Lys33686Arg (NM_001256850.1); c.78785A>G, p.Lys26262Arg (NM_003319.4); c.98276A>G, p.Lys32759Arg (NM_133378.4); c.79160A>G, p.Lys26387Arg (NM_133432.3); c.79361A>G, p.Lys26454Arg (NM_133437.4); short protein forms K26262R, K35327R, K26387R, K26454R, K32759R, K33686R.
Identifiers: ClinVar variation 1439658 (VCV001439658.6), dbSNP rs1164792965, ClinGen allele CA349407302.

ClinVar aggregate classification (germline): Uncertain significance (1 of 4 stars; one submission).

Conditions:
Dilated cardiomyopathy 1G (CMD1G). Identifiers: Orphanet 154, MedGen C1858763, MONDO:0011400, OMIM 604145.
Autosomal recessive limb-girdle muscular dystrophy type 2J (LGMDR10). Also called: Limb-girdle muscular dystrophy, type 2J; MUSCULAR DYSTROPHY, LIMB-GIRDLE, AUTOSOMAL RECESSIVE 10. Identifiers: Orphanet 140922, MedGen C1837342, MONDO:0012127, OMIM 608807.

Submission:

Labcorp Genetics (formerly Invitae), Labcorp
Classification: Uncertain significance for Dilated cardiomyopathy 1G; Autosomal recessive limb-girdle muscular dystrophy type 2J. Last evaluated: 2021-07-07. Review status: criteria provided, single submitter. Criteria: Invitae Variant Classification Sherloc (09022015). Collection method: clinical testing. Allele origin: germline.
Comment: This sequence change replaces lysine with arginine at codon 35327 of the TTN protein (p.Lys35327Arg). There is a small physicochemical difference between lysine and arginine. This variant is not present in population databases (ExAC no frequency). This variant has not been reported in the literature in individuals with TTN-related conditions. This variant is located in the M band of TTN (PMID: 25589632). Variants in this region may be relevant for neuromuscular disorders, but have not been definitively shown to cause cardiomyopathy (PMID: 23975875). Experimental studies and prediction algorithms are not available or were not evaluated, and the functional significance of this variant is currently unknown. In summary, the available evidence is currently insufficient to determine the role of this variant in disease. Therefore, it has been classified as a Variant of Uncertain Significance.

Literature cited by the submitters: PubMed 25589632; PubMed 23975875.